The following is an entry in ClinVar:

ClinVar aggregate classification (germline): Uncertain significance (1 of 4 stars; one submission).

Submission:

Labcorp Genetics (formerly Invitae), Labcorp
Classification: Uncertain significance. Last evaluated: 2024-04-03. Review status: criteria provided, single submitter. Criteria: Invitae Variant Classification Sherloc (09022015). Collection method: clinical testing. Allele origin: germline.
Comment: This sequence change replaces tyrosine, which is neutral and polar, with aspartic acid, which is acidic and polar, at codon 172 of the LOX protein (p.Tyr172Asp). This variant is not present in population databases (gnomAD no frequency). This variant has not been reported in the literature in individuals affected with LOX-related conditions. Advanced modeling of protein sequence and biophysical properties (such as structural, functional, and spatial information, amino acid conservation, physicochemical variation, residue mobility, and thermodynamic stability) has been performed at Invitae for this missense variant, however the output from this modeling did not meet the statistical confidence thresholds required to predict the impact of this variant on LOX protein function. In summary, the available evidence is currently insufficient to determine the role of this variant in disease. Therefore, it has been classified as a Variant of Uncertain Significance.

NM_002317.7(LOX):c.514T>G (p.Tyr172Asp)

Genes: LOX (lysyl oxidase; minus strand), SRFBP1 (serum response factor binding protein 1; plus strand). Cytogenetic location: 5q23.1.
Variant type: single nucleotide variant.
Coding change: c.514T>G on transcript NM_002317.7 (MANE Select); coding-DNA position 514, T replaced by G.
Protein change: p.Tyr172Asp; replaces tyrosine 172 with aspartic acid.
Molecular consequence: missense variant.
Genome position (GRCh38, 1-based): chr5:122,077,472, A>C on the plus strand (T>G on the coding strand, the complement: LOX is on the minus strand). VCF-style: chr5-122077472-A-C. GRCh37 (hg19) VCF-style: chr5-121413167-A-C.
Other names: short protein forms Y172D.
Identifiers: ClinVar variation 3647713 (VCV003647713.2).